The following is an entry in ClinVar:

NM_021930.6(RINT1):c.133G>A (p.Glu45Lys)

Gene: RINT1 (RAD50 interactor 1; plus strand). Cytogenetic location: 7q22.3.
Variant type: single nucleotide variant.
Coding change: c.133G>A on transcript NM_021930.6 (MANE Select); coding-DNA position 133, G replaced by A.
Protein change: p.Glu45Lys; replaces glutamic acid 45 with lysine.
Molecular consequence: missense variant. On other transcripts: synonymous variant (1), 5 prime UTR variant (3), non-coding transcript variant (1).
Genome position (GRCh38, 1-based): chr7:105,536,609, G>A. VCF-style: chr7-105536609-G-A. GRCh37 (hg19) VCF-style: chr7-105177056-G-A.
Other names: c.36G>A, p.Val12= (NM_001346599.2); c.-887G>A (NM_001346600.2); c.-790G>A (NM_001346601.2); c.-410G>A (NM_001346603.2); short protein forms E45K.
Identifiers: ClinVar variation 1770327 (VCV001770327.3), dbSNP rs1382184435, ClinGen allele CA368800104.

ClinVar aggregate classification (germline): Uncertain significance (1 of 4 stars; one submission).

gnomAD v4.1: 2 of 1,607,658 alleles (0.00012%); highest among the groups gnomAD compares: South Asian, 0.0022%; no homozygotes.

Submission:

Ambry Genetics
Classification: Uncertain significance. Last evaluated: 2023-05-25. Review status: criteria provided, single submitter. Criteria: Ambry Variant Classification Scheme 2023. Collection method: clinical testing. Allele origin: germline.
Comment: The p.E45K variant (also known as c.133G>A), located in coding exon 3 of the RINT1 gene, results from a G to A substitution at nucleotide position 133. The glutamic acid at codon 45 is replaced by lysine, an amino acid with similar properties. This amino acid position is not well conserved in available vertebrate species. In addition, this alteration is predicted to be tolerated by in silico analysis. Since supporting evidence is limited at this time, the clinical significance of this alteration remains unclear.